The following is an entry in ClinVar:

NM_001018115.3(FANCD2):c.289G>A (p.Val97Ile)

Genes: FANCD2 (FA complementation group D2; plus strand), LOC107303338 (3p25 FANCD2 Alu-mediated recombination region; plus strand). Cytogenetic location: 3p25.3.
Variant type: single nucleotide variant.
Coding change: c.289G>A on transcript NM_001018115.3 (MANE Select); coding-DNA position 289, G replaced by A.
Protein change: p.Val97Ile; replaces valine 97 with isoleucine.
Molecular consequence: missense variant.
Genome position (GRCh38, 1-based): chr3:10,034,710, G>A. VCF-style: chr3-10034710-G-A. GRCh37 (hg19) VCF-style: chr3-10076394-G-A.
Other names: c.289G>A (NM_001018115.2); c.289G>A, p.Val97Ile (NM_001319984.2, NM_001374253.1, NM_001374254.1 and 2 more transcripts); short protein forms V97I.
Identifiers: ClinVar variation 850071 (VCV000850071.8), dbSNP rs1480379325, ClinGen allele CA351720543.

ClinVar aggregate classification (germline): Uncertain significance. Review status: criteria provided, multiple submitters, no conflicts (2 of 4 stars). 3 submissions from 3 submitters: Uncertain significance (3). Last evaluated 2025-07-24.

Conditions:
FANCD2-related disorder. Also called: FANCD2-related condition.
Fanconi anemia (FA). Also called: Fanconi's anemia. Identifiers: Orphanet 84, MedGen C0015625, MeSH D005199, MONDO:0019391.
Fanconi anemia complementation group D2. Also called: FANCD2-Related Fanconi Anemia; FANCONI ANEMIA, COMPLEMENTATION GROUP D; FANCONI PANCYTOPENIA, TYPE 4. Identifiers: Orphanet 84, MedGen C3160738, MONDO:0009214, OMIM 227646.

Allele frequency attached by ClinVar (database versions not stated): gnomAD 0.00001; TOPMed 0.00001.
gnomAD v4.1: 17 of 1,565,662 alleles (0.0011%); highest among the groups gnomAD compares: East Asian, 0.016%; no homozygotes.

Submissions (3):

PreventionGenetics, part of Exact Sciences
Classification: Uncertain significance for FANCD2-related condition. Last evaluated: 2025-07-24. Review status: criteria provided, single submitter. Criteria: ACMG Guidelines, 2015. Collection method: clinical testing. Allele origin: germline.
Comment: The FANCD2 c.289G>A variant is predicted to result in the amino acid substitution p.Val97Ile. To our knowledge, this variant has not been reported in the literature. This variant is reported in 0.0074% of alleles in individuals of Latino descent in gnomAD. At this time, the clinical significance of this variant is uncertain due to the absence of conclusive functional and genetic evidence.

Fulgent Genetics
Classification: Uncertain significance for Fanconi anemia complementation group D2. Last evaluated: 2024-01-13. Review status: criteria provided, single submitter. Criteria: ACMG Guidelines, 2015. Collection method: clinical testing. Allele origin: germline.

Labcorp Genetics (formerly Invitae), Labcorp
Classification: Uncertain significance for Fanconi anemia. Last evaluated: 2022-10-31. Review status: criteria provided, single submitter. Criteria: Invitae Variant Classification Sherloc (09022015). Collection method: clinical testing. Allele origin: germline.
Comment: This sequence change replaces valine, which is neutral and non-polar, with isoleucine, which is neutral and non-polar, at codon 97 of the FANCD2 protein (p.Val97Ile). This variant is present in population databases (no rsID available, gnomAD 0.008%). This variant has not been reported in the literature in individuals affected with FANCD2-related conditions. This missense change has been observed to co-occur in individuals with a different variant in FANCD2 that has been determined to be pathogenic (Invitae), but the significance of this finding is unclear. ClinVar contains an entry for this variant (Variation ID: 850071). Advanced modeling of protein sequence and biophysical properties (such as structural, functional, and spatial information, amino acid conservation, physicochemical variation, residue mobility, and thermodynamic stability) performed at Invitae indicates that this missense variant is not expected to disrupt FANCD2 protein function. In summary, the available evidence is currently insufficient to determine the role of this variant in disease. Therefore, it has been classified as a Variant of Uncertain Significance.